The following is an entry in ClinVar:

NM_024867.4(SPEF2):c.4247A>G (p.Tyr1416Cys)

Gene: SPEF2 (sperm flagellar and cilia associated 2; plus strand). Cytogenetic location: 5p13.2.
Variant type: single nucleotide variant.
Coding change: c.4247A>G on transcript NM_024867.4 (MANE Select); coding-DNA position 4247, A replaced by G.
Protein change: p.Tyr1416Cys; replaces tyrosine 1416 with cysteine.
Molecular consequence: missense variant.
Genome position (GRCh38, 1-based): chr5:35,779,146, A>G. VCF-style: chr5-35779146-A-G. GRCh37 (hg19) VCF-style: chr5-35779248-A-G.
Other names: c.4247A>G (NM_024867.3); short protein forms Y1416C.
Identifiers: ClinVar variation 2655402 (VCV002655402.25), dbSNP rs142928511, ClinGen allele CA3231361.
Genomic context (GRCh38, chr5:35,779,146, plus strand): 5'-GGGTTAACGCTATCCATTTTACCACTTTCAGTACAGAAAAATTAACTGACGTAGCTCGCT[A>G]TCACATTGAAACATCTACAAAAATTCAGAATGAACTTTATTTAAGCCAAGAAGACTTCTT-3'
Protein context (NP_079143.3, residues 1406-1426): STEKLTDVAR[Tyr1416Cys]HIETSTKIQN

ClinVar aggregate classification (germline): Likely benign. Review status: criteria provided, single submitter (1 of 4 stars). 2 submissions from 2 submitters: Likely benign (1). 1 of the submissions does not count toward it. Last evaluated 2026-07-01.

Conditions:
SPEF2-related disorder. Also called: SPEF2-related condition.

Allele frequency attached by ClinVar (database versions not stated): 1000 Genomes Project 30x 0.00031; 1000 Genomes Project 0.00040; TOPMed 0.00151; gnomAD 0.00169; ExAC 0.00211; gnomAD exomes 0.00224; ESP Exome Variant Server 0.00262.
gnomAD v4.1: 3,473 of 1,613,634 alleles (0.22%); highest among the groups gnomAD compares: Non-Finnish European, 0.28%; 5 homozygotes.

Submissions (2):

CeGaT Center for Human Genetics Tuebingen
Classification: Likely benign. Last evaluated: 2026-07-01. Review status: criteria provided, single submitter. Criteria: CeGaT Center For Human Genetics Tuebingen Variant Classification Criteria Version 2. Collection method: clinical testing. Allele origin: germline. Affected: yes. Observed: 2 variant alleles.
Comment: SPEF2: BP4

PreventionGenetics, part of Exact Sciences
Classification: Likely benign for SPEF2-related condition. Last evaluated: 2024-07-23. Review status: no assertion criteria provided. Collection method: clinical testing. Allele origin: germline. Not counted in ClinVar's aggregate classification.
Comment: This variant is classified as likely benign based on ACMG/AMP sequence variant interpretation guidelines (Richards et al. 2015 PMID: 25741868, with internal and published modifications).